The following is an entry in ClinVar:

ClinVar aggregate classification (germline): Uncertain significance (1 of 4 stars; one submission).

Allele frequency attached by ClinVar (database versions not stated): gnomAD exomes below 0.00001; gnomAD 0.00002.
gnomAD v4.1: 5 of 1,613,816 alleles (0.00031%); highest among the groups gnomAD compares: Admixed American, 0.0017%; no homozygotes.

Submission:

Labcorp Genetics (formerly Invitae), Labcorp
Classification: Uncertain significance. Last evaluated: 2022-08-23. Review status: criteria provided, single submitter. Criteria: Invitae Variant Classification Sherloc (09022015). Collection method: clinical testing. Allele origin: germline.
Comment: This sequence change replaces valine, which is neutral and non-polar, with isoleucine, which is neutral and non-polar, at codon 3005 of the FAT4 protein (p.Val3005Ile). In summary, the available evidence is currently insufficient to determine the role of this variant in disease. Therefore, it has been classified as a Variant of Uncertain Significance. Advanced modeling of protein sequence and biophysical properties (such as structural, functional, and spatial information, amino acid conservation, physicochemical variation, residue mobility, and thermodynamic stability) performed at Invitae indicates that this missense variant is not expected to disrupt FAT4 protein function. This variant has not been reported in the literature in individuals affected with FAT4-related conditions. This variant is present in population databases (rs537907177, gnomAD 0.007%).

NM_001291303.3(FAT4):c.9019G>A (p.Val3007Ile)

Gene: FAT4 (FAT atypical cadherin 4; plus strand). Cytogenetic location: 4q28.1.
Variant type: single nucleotide variant.
Coding change: c.9019G>A on transcript NM_001291303.3 (MANE Select); coding-DNA position 9019, G replaced by A.
Protein change: p.Val3007Ile; replaces valine 3007 with isoleucine.
Molecular consequence: missense variant.
Genome position (GRCh38, 1-based): chr4:125,450,029, G>A. VCF-style: chr4-125450029-G-A. GRCh37 (hg19) VCF-style: chr4-126371184-G-A.
Other names: c.9019G>A, p.Val3007Ile (NM_001291285.3); c.9013G>A, p.Val3005Ile (NM_024582.6); short protein forms V3005I, V3007I.
Identifiers: ClinVar variation 1980149 (VCV001980149.4), dbSNP rs537907177, ClinGen allele CA104881601.